The following is an entry in ClinVar:

ClinVar aggregate classification (germline): Uncertain significance. Review status: criteria provided, multiple submitters, no conflicts (2 of 4 stars). 2 submissions from 2 submitters: Uncertain significance (2). Last evaluated 2023-03-24.

Submissions (2):

GeneDx
Classification: Uncertain significance. Last evaluated: 2023-03-24. Review status: criteria provided, single submitter. Criteria: GeneDx Variant Classification Process June 2021. Collection method: clinical testing. Allele origin: germline. Affected: yes.
Comment: Not observed at significant frequency in large population cohorts (gnomAD); In silico analysis supports that this missense variant does not alter protein structure/function; Has not been previously published as pathogenic or benign to our knowledge

Labcorp Genetics (formerly Invitae), Labcorp
Classification: Uncertain significance. Last evaluated: 2022-11-10. Review status: criteria provided, single submitter. Criteria: Invitae Variant Classification Sherloc (09022015). Collection method: clinical testing. Allele origin: germline.
Comment: In summary, the available evidence is currently insufficient to determine the role of this variant in disease. Therefore, it has been classified as a Variant of Uncertain Significance. Advanced modeling of protein sequence and biophysical properties (such as structural, functional, and spatial information, amino acid conservation, physicochemical variation, residue mobility, and thermodynamic stability) performed at Invitae indicates that this missense variant is not expected to disrupt KMT2A protein function. This variant has not been reported in the literature in individuals affected with KMT2A-related conditions. This variant is not present in population databases (gnomAD no frequency). This sequence change replaces leucine, which is neutral and non-polar, with phenylalanine, which is neutral and non-polar, at codon 2299 of the KMT2A protein (p.Leu2299Phe).

NM_001197104.2(KMT2A):c.6897G>T (p.Leu2299Phe)

Gene: KMT2A (lysine methyltransferase 2A; plus strand). Cytogenetic location: 11q23.3.
Variant type: single nucleotide variant.
Coding change: c.6897G>T on transcript NM_001197104.2 (MANE Select); coding-DNA position 6897, G replaced by T.
Protein change: p.Leu2299Phe; replaces leucine 2299 with phenylalanine.
Molecular consequence: missense variant.
Genome position (GRCh38, 1-based): chr11:118,502,789, G>T. VCF-style: chr11-118502789-G-T. GRCh37 (hg19) VCF-style: chr11-118373504-G-T.
Other names: c.6987G>T, p.Leu2329Phe (NM_001412597.1); c.6888G>T, p.Leu2296Phe (NM_005933.4); short protein forms L2296F, L2299F, L2329F.
Identifiers: ClinVar variation 2580722 (VCV002580722.4), dbSNP rs2496992182, ClinGen allele CA382803442.